The following is an entry in ClinVar:

ClinVar aggregate classification (germline): Likely benign (1 of 4 stars; one submission).

gnomAD v4.1: 49 of 1,577,514 alleles (0.0031%); highest among the groups gnomAD compares: Non-Finnish European, 0.004%; no homozygotes.

Submission:

CeGaT Center for Human Genetics Tuebingen
Classification: Likely benign. Last evaluated: 2024-11-01. Review status: criteria provided, single submitter. Criteria: CeGaT Center For Human Genetics Tuebingen Variant Classification Criteria Version 2. Collection method: clinical testing. Allele origin: germline. Affected: yes. Observed: 1 variant allele.
Comment: TNIK: BP4, BP7

NM_015028.4(TNIK):c.2343A>G (p.Pro781=)

Gene: TNIK (TRAF2 and NCK interacting kinase; minus strand). Cytogenetic location: 3q26.2.
Variant type: single nucleotide variant.
Coding change: c.2343A>G on transcript NM_015028.4 (MANE Select); coding-DNA position 2343, A replaced by G.
Protein change: p.Pro781=; no amino-acid change (proline 781 retained).
Molecular consequence: synonymous variant.
Genome position (GRCh38, 1-based): chr3:171,108,104, T>C on the plus strand (A>G on the coding strand, the complement: TNIK is on the minus strand). VCF-style: chr3-171108104-T-C. GRCh37 (hg19) VCF-style: chr3-170825893-T-C.
Other names: c.2343A>G, p.Pro781= (NM_001161560.3); c.2256A>G, p.Pro752= (NM_001161561.3, NM_001161562.3); c.2178A>G, p.Pro726= (NM_001161563.3, NM_001161564.3); c.2091A>G, p.Pro697= (NM_001161565.3, NM_001161566.3).
Identifiers: ClinVar variation 3390341 (VCV003390341.14).
Genomic context (GRCh38, chr3:171,108,104, plus strand): 5'-CTTGGAGAGAAAAGCACTCACAGCTGGTCGACTGGGCCGGGTAATGTCCCTGGATTCTTC[T>C]GGTTTCACCTTCGCAGGCTCATGGGGGAGCACAGGTGATCCTTCTGACTTACTGTTGGCT-3'
Protein context (NP_055843.1, residues 771-791): VLPHEPAKVK[Pro781=]EESRDITRPS